The following is an entry in ClinVar:

NM_005228.5(EGFR):c.2047C>T (p.Leu683=)

Gene: EGFR (epidermal growth factor receptor; plus strand). Cytogenetic location: 7p11.2.
Variant type: single nucleotide variant.
Coding change: c.2047C>T on transcript NM_005228.5 (MANE Select); coding-DNA position 2047, C replaced by T.
Protein change: p.Leu683=; no amino-acid change (leucine 683 retained).
Molecular consequence: synonymous variant.
Genome position (GRCh38, 1-based): chr7:55,173,110, C>T. VCF-style: chr7-55173110-C-T. GRCh37 (hg19) VCF-style: chr7-55240803-C-T.
Other names: p.Leu683=; c.1912C>T, p.Leu638= (NM_001346897.2, NM_001346899.2); c.2047C>T, p.Leu683= (NM_001346898.2); c.1888C>T, p.Leu630= (NM_001346900.2); c.1246C>T, p.Leu416= (NM_001346941.2).
Identifiers: ClinVar variation 360464 (VCV000360464.49), dbSNP rs55669340, ClinGen allele CA4265951.
Genomic context (GRCh38, chr7:55,173,110, plus strand): 5'-GGGATCGGCCTCTTCATGCGAAGGCGCCACATCGTTCGGAAGCGCACGCTGCGGAGGCTG[C>T]TGCAGGAGAGGGAGGTGAGTGCCAGTCCTGGGTGGGCTCAGGAGCCCTCGCACCCCGACA-3'
Protein context (NP_005219.2, residues 673-693): IVRKRTLRRL[Leu683=]QERELVEPLT

ClinVar aggregate classification (germline): Benign/Likely benign. Review status: criteria provided, multiple submitters, no conflicts (2 of 4 stars). 9 submissions from 9 submitters: Benign (4); Likely benign (5). Last evaluated 2026-09-01.

Conditions:
EGFR-related lung cancer (EGFR). Identifiers: MedGen CN130014.
Hereditary cancer-predisposing syndrome. Also called: Tumor predisposition; Neoplastic Syndromes, Hereditary; Hereditary neoplastic syndrome; Hereditary Cancer Syndrome. Identifiers: Orphanet 140162, MedGen C0027672, MeSH D009386, MONDO:0015356.

Allele frequency attached by ClinVar (database versions not stated): 1000 Genomes Project 30x 0.00125; 1000 Genomes Project 0.00140; ESP Exome Variant Server 0.00707; TOPMed 0.00751; gnomAD 0.00762 and 0.00851; gnomAD exomes 0.00773 and 0.01060; ExAC 0.00876.

Submissions (9):

CeGaT Center for Human Genetics Tuebingen
Classification: Benign. Last evaluated: 2026-09-01. Review status: criteria provided, single submitter. Criteria: CeGaT Center For Human Genetics Tuebingen Variant Classification Criteria Version 2. Collection method: clinical testing. Allele origin: germline. Affected: yes. Observed: 123 variant alleles.
Comment: EGFR: BP4, BS1, BS2

Labcorp Genetics (formerly Invitae), Labcorp
Classification: Benign for EGFR-related lung cancer. Last evaluated: 2026-02-04. Review status: criteria provided, single submitter. Criteria: Invitae Variant Classification Sherloc (09022015). Collection method: clinical testing. Allele origin: germline.

Mayo Clinic Laboratories, Mayo Clinic
Classification: Likely benign. Last evaluated: 2025-08-27. Review status: criteria provided, single submitter. Criteria: ACMG Guidelines, 2015. Collection method: clinical testing. Allele origin: germline. Observed: 4 variant alleles.
Comment: BS1, BP4, BP7

ARUP Laboratories, Molecular Genetics and Genomics, ARUP Laboratories
Classification: Benign. Last evaluated: 2025-07-30. Review status: criteria provided, single submitter. Criteria: ARUP Molecular Germline Variant Investigation Process 2024. Collection method: clinical testing. Allele origin: germline.

Blueprint Genetics
Classification: Likely benign. Last evaluated: 2024-11-26. Review status: criteria provided, single submitter. Criteria: ACMG Guidelines, 2015. Collection method: clinical testing. Allele origin: germline.

Ambry Genetics
Classification: Likely benign for Hereditary cancer-predisposing syndrome. Last evaluated: 2024-08-09. Review status: criteria provided, single submitter. Criteria: Ambry Variant Classification Scheme 2023. Collection method: clinical testing. Allele origin: germline.

Genetic Services Laboratory, University of Chicago
Classification: Benign. Last evaluated: 2021-08-06. Review status: criteria provided, single submitter. Criteria: ACMG Guidelines, 2015. Collection method: clinical testing. Allele origin: germline. Affected: no.

GeneDx
Classification: Likely benign. Last evaluated: 2021-01-05. Review status: criteria provided, single submitter. Criteria: GeneDx Variant Classification Process June 2021. Collection method: clinical testing. Allele origin: germline. Affected: yes.

Breakthrough Genomics
Classification: Likely benign. Review status: criteria provided, single submitter. Criteria: ACMG Guidelines, 2015. Collection method: not provided. Allele origin: germline. Inheritance: Autosomal recessive inheritance. Affected: yes.